The following is an entry in ClinVar:

NM_000257.4(MYH7):c.3196A>G (p.Ile1066Val)

Gene: MYH7 (myosin heavy chain 7; minus strand). Cytogenetic location: 14q11.2.
Variant type: single nucleotide variant.
Coding change: c.3196A>G on transcript NM_000257.4 (MANE Select); coding-DNA position 3196, A replaced by G.
Protein change: p.Ile1066Val; replaces isoleucine 1066 with valine.
Molecular consequence: missense variant.
Genome position (GRCh38, 1-based): chr14:23,422,229, T>C on the plus strand (A>G on the coding strand, the complement: MYH7 is on the minus strand). VCF-style: chr14-23422229-T-C. GRCh37 (hg19) VCF-style: chr14-23891438-T-C.
Other names: c.3196A>G (LRG_384t1); short protein forms I1066V.
Identifiers: ClinVar variation 424545 (VCV000424545.2), dbSNP rs753321342, ClinGen allele CA036113.

ClinVar aggregate classification (germline): Uncertain significance (1 of 4 stars; one submission).

Allele frequency attached by ClinVar (database versions not stated): gnomAD exomes below 0.00001 and 0.00001; ExAC 0.00001.
gnomAD v4.1: 3 of 1,613,932 alleles (0.00019%); highest among the groups gnomAD compares: South Asian, 0.0022%; no homozygotes.

Submission:

GeneDx
Classification: Uncertain significance. Last evaluated: 2017-03-28. Review status: criteria provided, single submitter. Criteria: GeneDx Variant Classification (06012015). Collection method: clinical testing. Allele origin: germline. Affected: yes.
Comment: The I1066V variant in the MYH7 gene has not been reported previously as a pathogenic variant, nor as a benign variant, to our knowledge. The I1066V variant is not observed at a significant frequency in large population cohorts (Lek et al., 2016; 1000 Genomes Consortium et al., 2015; Exome Variant Server). The I1066V variant is a conservative amino acid substitution, which is not likely to impact secondary protein structure as these residues share similar properties. This substitution occurs at a position where amino acids with similar properties to Isoleucine are tolerated across species. In silico analysis is inconsistent in its predictions as to whether or not the variant is damaging to the protein structure/function. We interpret I1066V as a variant of uncertain significance.